The following is an entry in ClinVar:

ClinVar aggregate classification (germline): Uncertain significance (1 of 4 stars; one submission).

Allele frequency attached by ClinVar (database versions not stated): gnomAD exomes below 0.00001 and 0.00001; TOPMed 0.00001.
gnomAD v4.1: 5 of 1,613,078 alleles (0.00031%); highest among the groups gnomAD compares: Admixed American, 0.005%; no homozygotes.

Submission:

Labcorp Genetics (formerly Invitae), Labcorp
Classification: Uncertain significance. Last evaluated: 2022-07-19. Review status: criteria provided, single submitter. Criteria: Invitae Variant Classification Sherloc (09022015). Collection method: clinical testing. Allele origin: germline.
Comment: This variant has not been reported in the literature in individuals affected with TRAF3IP1-related conditions. In summary, the available evidence is currently insufficient to determine the role of this variant in disease. Therefore, it has been classified as a Variant of Uncertain Significance. Algorithms developed to predict the effect of missense changes on protein structure and function (SIFT, PolyPhen-2, Align-GVGD) all suggest that this variant is likely to be disruptive. ClinVar contains an entry for this variant (Variation ID: 862831). This variant is present in population databases (no rsID available, gnomAD 0.009%). This sequence change replaces leucine, which is neutral and non-polar, with proline, which is neutral and non-polar, at codon 593 of the TRAF3IP1 protein (p.Leu593Pro).

NM_015650.4(TRAF3IP1):c.1778T>C (p.Leu593Pro)

Gene: TRAF3IP1 (TRAF3 interacting protein 1; plus strand). Cytogenetic location: 2q37.3.
Variant type: single nucleotide variant.
Coding change: c.1778T>C on transcript NM_015650.4 (MANE Select); coding-DNA position 1778, T replaced by C.
Protein change: p.Leu593Pro; replaces leucine 593 with proline.
Molecular consequence: missense variant.
Genome position (GRCh38, 1-based): chr2:238,397,547, T>C. VCF-style: chr2-238397547-T-C. GRCh37 (hg19) VCF-style: chr2-239306188-T-C.
Other names: c.1580T>C, p.Leu527Pro (NM_001139490.1); short protein forms L527P, L593P.
Identifiers: ClinVar variation 862831 (VCV000862831.7), dbSNP rs1229693908, ClinGen allele CA351246082.